The following is an entry in ClinVar:

ClinVar aggregate classification (germline): Uncertain significance (0 of 4 stars; one submission).

Conditions:
SCN2A-related disorder. Also called: SCN2A-related condition; SCN2A-related disorders. Identifiers: MedGen CN382226, MONDO:1060245.

Submission:

PreventionGenetics, part of Exact Sciences
Classification: Uncertain significance for SCN2A-related condition. Last evaluated: 2024-05-02. Review status: no assertion criteria provided. Collection method: clinical testing. Allele origin: germline.
Comment: The SCN2A c.4987A>C variant is predicted to result in the amino acid substitution p.Ile1663Leu. To our knowledge, this variant has not been reported in the literature or in a large population database, indicating this variant is rare. A different missense substitution affecting the same amino acid (p.Ile1663Thr) was reported in an individual with Dravet syndrome; however, it was also detected in the proband's mildly affected mother and unaffected grandmother (Zeng et al 2022. PubMed ID: 35431799). At this time, the clinical significance of the c.4987A>C (p.Ile1663Leu) variant is uncertain due to the absence of conclusive functional and genetic evidence.

NM_001040142.2(SCN2A):c.4987A>C (p.Ile1663Leu)

Gene: SCN2A (sodium voltage-gated channel alpha subunit 2; plus strand). Cytogenetic location: 2q24.3.
Variant type: single nucleotide variant.
Coding change: c.4987A>C on transcript NM_001040142.2 (MANE Select); coding-DNA position 4987, A replaced by C.
Protein change: p.Ile1663Leu; replaces isoleucine 1663 with leucine.
Molecular consequence: missense variant.
Genome position (GRCh38, 1-based): chr2:165,388,793, A>C. VCF-style: chr2-165388793-A-C. GRCh37 (hg19) VCF-style: chr2-166245303-A-C.
Other names: c.4987A>C, p.Ile1663Leu (NM_001040143.2, NM_001371246.1, NM_001371247.1 and 1 more transcripts); short protein forms I1663L.
Identifiers: ClinVar variation 3345951 (VCV003345951.1).